The following is an entry in ClinVar:

ClinVar aggregate classification (germline): Likely benign (0 of 4 stars; one submission).

Conditions:
TMTC2-related disorder. Also called: TMTC2-related condition.

Allele frequency attached by ClinVar (database versions not stated): ExAC 0.00036; gnomAD 0.00109; ESP Exome Variant Server 0.00115; TOPMed 0.00139; 1000 Genomes Project 0.00180; 1000 Genomes Project 30x 0.00219.
gnomAD v4.1: 320 of 1,614,024 alleles (0.02%); highest among the groups gnomAD compares: African/African-American, 0.38%; 3 homozygotes.

Submission:

PreventionGenetics, part of Exact Sciences
Classification: Likely benign for TMTC2-related condition. Last evaluated: 2023-03-22. Review status: no assertion criteria provided. Collection method: clinical testing. Allele origin: germline.
Comment: This variant is classified as likely benign based on ACMG/AMP sequence variant interpretation guidelines (Richards et al. 2015 PMID: 25741868, with internal and published modifications).

NM_152588.3(TMTC2):c.1041G>T (p.Gln347His)

Gene: TMTC2 (transmembrane O-mannosyltransferase targeting cadherins 2; plus strand). Cytogenetic location: 12q21.31.
Variant type: single nucleotide variant.
Coding change: c.1041G>T on transcript NM_152588.3 (MANE Select); coding-DNA position 1041, G replaced by T.
Protein change: p.Gln347His; replaces glutamine 347 with histidine.
Molecular consequence: missense variant.
Genome position (GRCh38, 1-based): chr12:82,896,204, G>T. VCF-style: chr12-82896204-G-T. GRCh37 (hg19) VCF-style: chr12-83289983-G-T.
Other names: c.306G>T, p.Gln102His (NM_001320321.2); c.1041G>T, p.Gln347His (NM_001320322.2); short protein forms Q102H, Q347H.
Identifiers: ClinVar variation 3053457 (VCV003053457.2), dbSNP rs114940214, ClinGen allele CA6706677.
Genomic context (GRCh38, chr12:82,896,204, plus strand): 5'-TTTGAAGAGCCCGAGCGTAGACAGAGAATGCAATGGGAAAACTGTAACAAATGGCAAGCA[G>T]AATGCAAATGGACATAGCTGCCTTTCAGATGTGGAGTACCAGAACTCAGAGACTAAGTCC-3'
Protein context (NP_689801.1, residues 337-357): CNGKTVTNGK[Gln347His]NANGHSCLSD